The following is an entry in ClinVar:

ClinVar aggregate classification (germline): Uncertain significance (1 of 4 stars; one submission).

gnomAD v4.1: 2 of 1,557,274 alleles (0.00013%); highest among the groups gnomAD compares: African/African-American, 0.0028%; no homozygotes.

Submission:

Athena Diagnostics
Classification: Uncertain significance. Last evaluated: 2024-10-29. Review status: criteria provided, single submitter. Criteria: Athena Diagnostics Criteria. Collection method: clinical testing. Allele origin: unknown.
Comment: Available data are insufficient to determine the clinical significance of the variant at this time. The frequency of this variant in the general population is uninformative in assessment of its pathogenicity. Computational tools yielded predictions that this variant is unlikely to have an effect on normal RNA splicing.

NM_001146262.4(SYT14):c.13+10G>C

Gene: SYT14 (synaptotagmin 14; plus strand). Cytogenetic location: 1q32.2.
Variant type: single nucleotide variant.
Coding change: c.13+10G>C on transcript NM_001146262.4 (MANE Select); 10 bases into the intron after coding-DNA position 13, G replaced by C.
Molecular consequence: intron variant.
Genome position (GRCh38, 1-based): chr1:209,938,287, G>C. VCF-style: chr1-209938287-G-C. GRCh37 (hg19) VCF-style: chr1-210111632-G-C.
Other names: c.-1242+10G>C (NM_001397545.1); c.-307+10G>C (NM_001256006.3); c.27+10G>C (NM_001146261.4, NM_001146264.4); c.-1037+10G>C (NM_001397544.1); c.13+10G>C (NM_153262.5).
Identifiers: ClinVar variation 3571959 (VCV003571959.1).